The following is an entry in ClinVar:

ClinVar aggregate classification (germline): Conflicting classifications of pathogenicity. Review status: criteria provided, conflicting classifications (1 of 4 stars). 5 submissions from 5 submitters: Uncertain significance (2); Likely benign (3). Last evaluated 2025-11-09.

Conditions:
POLD1-related polyposis and colorectal cancer syndrome (CRCS10). Also called: Colorectal cancer 10; COLORECTAL CANCER, SUSCEPTIBILITY TO, ON CHROMOSOME 19q; Colorectal cancer, susceptibility to, 10. Identifiers: Orphanet 220460, MedGen C2675481, MONDO:0012953, OMIM 612591.
Hereditary cancer-predisposing syndrome. Also called: Tumor predisposition; Hereditary Cancer Syndrome; Hereditary neoplastic syndrome; Neoplastic Syndromes, Hereditary. Identifiers: Orphanet 140162, MedGen C0027672, MeSH D009386, MONDO:0015356.

Allele frequency attached by ClinVar (database versions not stated): gnomAD exomes below 0.00001 and 0.00001; ExAC 0.00001; gnomAD 0.00001.
gnomAD v4.1: 9 of 1,602,924 alleles (0.00056%); highest among the groups gnomAD compares: Middle Eastern, 0.016%; no homozygotes.

Submissions (5):

Labcorp Genetics (formerly Invitae), Labcorp
Classification: Likely benign for POLD1-related polyposis and colorectal cancer syndrome. Last evaluated: 2025-11-09. Review status: criteria provided, single submitter. Criteria: Invitae Variant Classification Sherloc (09022015). Collection method: clinical testing. Allele origin: germline.

Center for Genomic Medicine, Rigshospitalet, Copenhagen University Hospital
Classification: Uncertain significance. Last evaluated: 2025-03-04. Review status: criteria provided, single submitter. Criteria: ACMG Guidelines, 2015. Collection method: clinical testing. Allele origin: germline.

Ambry Genetics
Classification: Uncertain significance for Hereditary cancer-predisposing syndrome. Last evaluated: 2025-03-03. Review status: criteria provided, single submitter. Criteria: Ambry Variant Classification Scheme 2023. Collection method: clinical testing. Allele origin: germline.
Comment: The c.2250+3C>T intronic variant results from a C to T substitution 3 nucleotides after coding exon 17 in the POLD1 gene. This nucleotide position is well conserved in available vertebrate species. In silico splice site analysis predicts that this alteration will not have any significant effect on splicing. Based on the available evidence, the clinical significance of this variant remains unclear.

Blueprint Genetics
Classification: Likely benign. Last evaluated: 2023-03-17. Review status: criteria provided, single submitter. Criteria: ACMG Guidelines, 2015. Collection method: clinical testing. Allele origin: germline.

GeneDx
Classification: Likely benign. Last evaluated: 2020-10-27. Review status: criteria provided, single submitter. Criteria: GeneDx Variant Classification Process June 2021. Collection method: clinical testing. Allele origin: germline. Affected: yes.

NM_002691.4(POLD1):c.2250+3C>T

Gene: POLD1 (DNA polymerase delta 1, catalytic subunit; plus strand). Cytogenetic location: 19q13.33.
Variant type: single nucleotide variant.
Coding change: c.2250+3C>T on transcript NM_002691.4 (MANE Select); 3 bases into the intron after coding-DNA position 2250, C replaced by T.
Molecular consequence: intron variant.
Genome position (GRCh38, 1-based): chr19:50,413,524, C>T. VCF-style: chr19-50413524-C-T. GRCh37 (hg19) VCF-style: chr19-50916781-C-T.
Other names: c.2250+3C>T (NM_001256849.1, NM_002691.2); c.2328+3C>T (NM_001308632.1).
Identifiers: ClinVar variation 858560 (VCV000858560.14), dbSNP rs779097933, ClinGen allele CA9596446.